The following is an entry in ClinVar:

NM_004360.5(CDH1):c.112A>G (p.Thr38Ala)

Gene: CDH1 (cadherin 1; plus strand). Cytogenetic location: 16q22.1.
Variant type: single nucleotide variant.
Coding change: c.112A>G on transcript NM_004360.5 (MANE Select); coding-DNA position 112, A replaced by G.
Protein change: p.Thr38Ala; replaces threonine 38 with alanine.
Molecular consequence: missense variant. On other transcripts: 5 prime UTR variant (2).
Genome position (GRCh38, 1-based): chr16:68,738,360, A>G. VCF-style: chr16-68738360-A-G. GRCh37 (hg19) VCF-style: chr16-68772263-A-G.
Other names: c.112A>G, p.Thr38Ala (NM_001317184.2); c.-1504A>G (NM_001317185.2); c.-1708A>G (NM_001317186.2); c.112A>G (LRG_301t1); short protein forms T38A.
Identifiers: ClinVar variation 187063 (VCV000187063.20), dbSNP rs786203442, ClinGen allele CA196635.

ClinVar aggregate classification (germline): Conflicting classifications of pathogenicity. Review status: criteria provided, conflicting classifications (1 of 4 stars). 5 submissions from 5 submitters: Uncertain significance (3); Likely benign (2). Last evaluated 2026-07-07.

Conditions:
Hereditary cancer-predisposing syndrome. Also called: Neoplastic Syndromes, Hereditary; Hereditary Cancer Syndrome; Tumor predisposition; Hereditary neoplastic syndrome. Identifiers: Orphanet 140162, MedGen C0027672, MeSH D009386, MONDO:0015356.
Hereditary diffuse gastric adenocarcinoma (HDGC). Also called: DIFFUSE GASTRIC AND LOBULAR BREAST CANCER SYNDROME. Identifiers: Orphanet 26106, MedGen C1708349, MONDO:0007648, OMIM 137215.
Familial cancer of breast. Also called: Hereditary breast cancer; BREAST CANCER, FAMILIAL; hereditary breast carcinoma. Identifiers: Orphanet 227535, MedGen C0346153, MONDO:0016419, OMIM 114480. Disease mechanism: loss of function.

Allele frequency attached by ClinVar (database versions not stated): gnomAD exomes 0.00001 and below 0.00001; TOPMed below 0.00001.
gnomAD v4.1: 2 of 1,551,056 alleles (0.00013%); highest among the groups gnomAD compares: Non-Finnish European, 0.00017%; no homozygotes.

Submissions (5):

Ambry Genetics
Classification: Likely benign for Hereditary cancer-predisposing syndrome. Last evaluated: 2026-07-07. Review status: criteria provided, single submitter. Criteria: Ambry Variant Classification Scheme 2023. Collection method: clinical testing. Allele origin: germline.

Myriad Genetics, Inc.
Classification: Likely benign for Hereditary diffuse gastric adenocarcinoma. Last evaluated: 2026-06-30. Review status: criteria provided, single submitter. Criteria: Myriad Autosomal Dominant, Autosomal Recessive and X-Linked Classification Criteria (2023). Collection method: clinical testing. Allele origin: unknown.
Comment: This variant is considered likely benign. Homozygosity has been confirmed in one or more individuals. As homozygosity for pathogenic variants in this gene is generally assumed to result in embryonic lethality, this variant is unlikely to be pathogenic.

Labcorp Genetics (formerly Invitae), Labcorp
Classification: Uncertain significance for Hereditary diffuse gastric adenocarcinoma. Last evaluated: 2025-01-26. Review status: criteria provided, single submitter. Criteria: Invitae Variant Classification Sherloc (09022015). Collection method: clinical testing. Allele origin: germline.
Comment: This sequence change replaces threonine, which is neutral and polar, with alanine, which is neutral and non-polar, at codon 38 of the CDH1 protein (p.Thr38Ala). This variant is present in population databases (rs786203442, gnomAD 0.002%). This variant has not been reported in the literature in individuals affected with CDH1-related conditions. ClinVar contains an entry for this variant (Variation ID: 187063). An algorithm developed to predict the effect of missense changes on protein structure and function (PolyPhen-2) suggests that this variant is likely to be tolerated. In summary, the available evidence is currently insufficient to determine the role of this variant in disease. Therefore, it has been classified as a Variant of Uncertain Significance.

Baylor Genetics
Classification: Uncertain significance for Familial cancer of breast. Last evaluated: 2023-09-21. Review status: criteria provided, single submitter. Criteria: ACMG Guidelines, 2015. Collection method: clinical testing. Allele origin: unknown.

Color Diagnostics, LLC DBA Color Health
Classification: Uncertain significance for Hereditary cancer-predisposing syndrome. Last evaluated: 2021-11-22. Review status: criteria provided, single submitter. Criteria: ACMG Guidelines, 2015. Collection method: clinical testing. Allele origin: germline.
Comment: This missense variant replaces threonine with alanine at codon 38 of the CDH1 protein. To our knowledge, functional studies have not been reported for this variant. This variant has not been reported in individuals affected with hereditary cancer in the literature. This variant has been identified in 1/156712 chromosomes in the general population by the Genome Aggregation Database (gnomAD). The available evidence is insufficient to determine the role of this variant in disease conclusively. Therefore, this variant is classified as a Variant of Uncertain Significance.